The following is an entry in ClinVar:

ClinVar aggregate classification (germline): Uncertain significance. Review status: criteria provided, multiple submitters, no conflicts (2 of 4 stars). 3 submissions from 3 submitters: Uncertain significance (3). Last evaluated 2025-04-29.

Conditions:
Hereditary cancer-predisposing syndrome. Also called: Tumor predisposition; Hereditary neoplastic syndrome; Neoplastic Syndromes, Hereditary; Hereditary Cancer Syndrome. Identifiers: Orphanet 140162, MedGen C0027672, MeSH D009386, MONDO:0015356.
Mitochondrial complex II deficiency, nuclear type 1. Also called: SUCCINATE CoQ REDUCTASE DEFICIENCY. Identifiers: Orphanet 3208, MedGen C5700310, MONDO:0100294, OMIM 252011.
Pheochromocytoma/paraganglioma syndrome 5. Also called: Paragangliomas 5; SDHA-Related Hereditary Paraganglioma-Pheochromocytoma Syndrome. Identifiers: Orphanet 29072, MedGen C3279992, MONDO:0013602, OMIM 614165.

Allele frequency attached by ClinVar (database versions not stated): TOPMed below 0.00001; gnomAD 0.00003.
gnomAD v4.1: 4 of 1,601,304 alleles (0.00025%); highest among the groups gnomAD compares: African/African-American, 0.0054%; no homozygotes.

Submissions (3):

Labcorp Genetics (formerly Invitae), Labcorp
Classification: Uncertain significance for Pheochromocytoma/paraganglioma syndrome 5; Mitochondrial complex II deficiency, nuclear type 1. Last evaluated: 2025-04-29. Review status: criteria provided, single submitter. Criteria: Invitae Variant Classification Sherloc (09022015). Collection method: clinical testing. Allele origin: germline.
Comment: This sequence change replaces serine, which is neutral and polar, with arginine, which is basic and polar, at codon 514 of the SDHA protein (p.Ser514Arg). This variant is present in population databases (no rsID available, gnomAD 0.01%). This variant has not been reported in the literature in individuals affected with SDHA-related conditions. ClinVar contains an entry for this variant (Variation ID: 1037541). Invitae Evidence Modeling of protein sequence and biophysical properties (such as structural, functional, and spatial information, amino acid conservation, physicochemical variation, residue mobility, and thermodynamic stability) indicates that this missense variant is not expected to disrupt SDHA protein function with a negative predictive value of 95%. In summary, the available evidence is currently insufficient to determine the role of this variant in disease. Therefore, it has been classified as a Variant of Uncertain Significance.

Quest Diagnostics Nichols Institute San Juan Capistrano
Classification: Uncertain significance. Last evaluated: 2024-09-19. Review status: criteria provided, single submitter. Criteria: Quest Diagnostics criteria. Collection method: clinical testing. Allele origin: unknown.
Comment: The SDHA c.1542C>G (p.Ser514Arg) variant has not been reported in individuals with SDHA-related conditions in the published literature. The frequency of this variant in the general population, 0.000032 (1/31402 chromosomes (Genome Aggregation Database)), is uninformative in the assessment of its pathogenicity. Analysis of this variant using bioinformatics tools for the prediction of the effect of amino acid changes on protein structure and function yielded predictions that this variant is benign. Based on the available information, we are unable to determine the clinical significance of this variant.

Ambry Genetics
Classification: Uncertain significance for Hereditary cancer-predisposing syndrome. Last evaluated: 2024-04-12. Review status: criteria provided, single submitter. Criteria: Ambry Variant Classification Scheme 2023. Collection method: clinical testing. Allele origin: germline.
Comment: The p.S514R variant (also known as c.1542C>G), located in coding exon 11 of the SDHA gene, results from a C to G substitution at nucleotide position 1542. The serine at codon 514 is replaced by arginine, an amino acid with dissimilar properties. This amino acid position is poorly conserved in available vertebrate species. In addition, this alteration is predicted to be tolerated by in silico analysis. Since supporting evidence is limited at this time, the clinical significance of this alteration remains unclear.

NM_004168.4(SDHA):c.1542C>G (p.Ser514Arg)

Gene: SDHA (succinate dehydrogenase complex flavoprotein subunit A; plus strand). Cytogenetic location: 5p15.33.
Variant type: single nucleotide variant.
Coding change: c.1542C>G on transcript NM_004168.4 (MANE Select); coding-DNA position 1542, C replaced by G.
Protein change: p.Ser514Arg; replaces serine 514 with arginine.
Molecular consequence: missense variant.
Genome position (GRCh38, 1-based): chr5:240,467, C>G. VCF-style: chr5-240467-C-G. GRCh37 (hg19) VCF-style: chr5-240582-C-G.
Other names: c.1542C>G (NM_004168.3); c.1398C>G, p.Ser466Arg (NM_001294332.2); c.1542C>G, p.Ser514Arg (NM_001330758.2); short protein forms S466R, S514R.
Identifiers: ClinVar variation 1037541 (VCV001037541.13), dbSNP rs1301221379, ClinGen allele CA359014386.